The following is an entry in ClinVar:

NM_017514.5(PLXNA3):c.3656C>T (p.Pro1219Leu)

Gene: PLXNA3 (plexin A3; plus strand). Cytogenetic location: Xq28.
Variant type: single nucleotide variant.
Coding change: c.3656C>T on transcript NM_017514.5 (MANE Select); coding-DNA position 3656, C replaced by T.
Protein change: p.Pro1219Leu; replaces proline 1219 with leucine.
Molecular consequence: missense variant.
Genome position (GRCh38, 1-based): chrX:154,467,837, C>T. VCF-style: chrX-154467837-C-T. GRCh37 (hg19) VCF-style: chrX-153696180-C-T.
Other names: short protein forms P1219L.
Identifiers: ClinVar variation 4992950 (VCV004992950.1).

ClinVar aggregate classification (germline): Uncertain significance (1 of 4 stars; one submission).

Conditions:
PLXNA3-related disorder. Also called: PLXNA3-related condition.

gnomAD v4.1: 4 of 1,205,054 alleles (0.00033%); highest among the groups gnomAD compares: Non-Finnish European, 0.00034%; no homozygotes.

Submission:

PreventionGenetics, part of Exact Sciences
Classification: Uncertain significance for PLXNA3-related condition. Last evaluated: 2026-08-24. Review status: criteria provided, single submitter. Criteria: ACMG Guidelines, 2015. Collection method: clinical testing. Allele origin: germline.
Comment: The PLXNA3 c.3656C>T variant is predicted to result in the amino acid substitution p.Pro1219Leu. To our knowledge, this variant has not been reported in the literature or in a large population database (gnomAD), indicating this variant is rare. At this time, the clinical significance of this variant is uncertain due to the absence of conclusive functional and genetic evidence.